The following is an entry in ClinVar:

ClinVar aggregate classification (germline): Pathogenic (1 of 4 stars; one submission).

Conditions:
Catecholaminergic polymorphic ventricular tachycardia 1. Also called: RYR2-Related Catecholaminergic Polymorphic Ventricular Tachycardia; VENTRICULAR TACHYCARDIA, CATECHOLAMINERGIC POLYMORPHIC, 1, WITH OR WITHOUT ATRIAL DYSFUNCTION AND/OR DILATED CARDIOMYOPATHY; VENTRICULAR TACHYCARDIA, STRESS-INDUCED POLYMORPHIC 1. Identifiers: Orphanet 3286, MedGen C1631597, MONDO:0011484, OMIM 604772.

Submission:

Labcorp Genetics (formerly Invitae), Labcorp
Classification: Pathogenic for Catecholaminergic polymorphic ventricular tachycardia 1. Last evaluated: 2025-09-02. Review status: criteria provided, single submitter. Criteria: Invitae Variant Classification Sherloc (09022015). Collection method: clinical testing. Allele origin: germline.
Comment: This sequence change replaces asparagine, which is neutral and polar, with aspartic acid, which is acidic and polar, at codon 3864 of the RYR2 protein (p.Asn3864Asp). This variant is not present in population databases (gnomAD no frequency). This missense change has been observed in individual(s) with cardiac arrest and/or catecholaminergic polymorphic ventricular tachycardia (PMID: 35135837; internal data). In at least one individual the variant was observed to be de novo. ClinVar contains an entry for this variant (Variation ID: 656670). Invitae Evidence Modeling of protein sequence and biophysical properties (such as structural, functional, and spatial information, amino acid conservation, physicochemical variation, residue mobility, and thermodynamic stability) indicates that this missense variant is expected to disrupt RYR2 protein function with a positive predictive value of 95%. For these reasons, this variant has been classified as Pathogenic.

Literature cited by the submitters: PubMed 35135837.

NM_001035.3(RYR2):c.11590A>G (p.Asn3864Asp)

Gene: RYR2 (ryanodine receptor 2; plus strand). Cytogenetic location: 1q43.
Variant type: single nucleotide variant.
Coding change: c.11590A>G on transcript NM_001035.3 (MANE Select); coding-DNA position 11590, A replaced by G.
Protein change: p.Asn3864Asp; replaces asparagine 3864 with aspartic acid.
Molecular consequence: missense variant.
Genome position (GRCh38, 1-based): chr1:237,772,044, A>G. VCF-style: chr1-237772044-A-G. GRCh37 (hg19) VCF-style: chr1-237935344-A-G.
Other names: c.11590A>G, p.Asn3864Asp (LRG_402t1); short protein forms N3864D.
Identifiers: ClinVar variation 656670 (VCV000656670.12), dbSNP rs1573887621, ClinGen allele CA345407069.